The following is an entry in ClinVar:

ClinVar aggregate classification (germline): Benign/Likely benign. Review status: criteria provided, multiple submitters, no conflicts (2 of 4 stars). 11 submissions from 11 submitters: Benign (2); Likely benign (6). 3 of the submissions do not count toward it. Last evaluated 2026-01-25.

Conditions:
MYO15A-related disorder. Also called: MYO15A-related condition.
Autosomal recessive nonsyndromic hearing loss 3. Also called: NEUROSENSORY NONSYNDROMIC RECESSIVE DEAFNESS 3. Identifiers: Orphanet 90636, MedGen C1838263, MONDO:0010860, OMIM 600316.

Allele frequency attached by ClinVar (database versions not stated): 1000 Genomes Project 30x 0.00172; 1000 Genomes Project 0.00200; TOPMed 0.00310; ESP Exome Variant Server 0.00323; gnomAD 0.00325 and 0.00326; ExAC 0.00356; gnomAD exomes 0.00359 and 0.00365.
gnomAD v4.1: 5,816 of 1,612,888 alleles (0.36%); highest among the groups gnomAD compares: Middle Eastern, 1.3%; 22 homozygotes.

Submissions (11):

Labcorp Genetics (formerly Invitae), Labcorp
Classification: Likely benign. Last evaluated: 2026-01-25. Review status: criteria provided, single submitter. Criteria: Invitae Variant Classification Sherloc (09022015). Collection method: clinical testing. Allele origin: germline.

CeGaT Center for Human Genetics Tuebingen
Classification: Likely benign. Last evaluated: 2025-11-01. Review status: criteria provided, single submitter. Criteria: CeGaT Center For Human Genetics Tuebingen Variant Classification Criteria Version 2. Collection method: clinical testing. Allele origin: germline. Affected: yes. Observed: 10 variant alleles.
Comment: MYO15A: BS2

Genomic Medicine Center of Excellence, King Faisal Specialist Hospital and Research Centre
Classification: Likely benign. Last evaluated: 2025-08-18. Review status: criteria provided, single submitter. Criteria: ACMG Guidelines, 2015. Collection method: clinical testing. Allele origin: germline.

GeneDx
Classification: Benign. Last evaluated: 2019-02-20. Review status: criteria provided, single submitter. Criteria: GeneDx Variant Classification Process June 2021. Collection method: clinical testing. Allele origin: germline. Affected: yes.
Comment: This variant is associated with the following publications: (PMID: 24498627)

Illumina Laboratory Services, Illumina
Classification: Likely benign for Autosomal recessive nonsyndromic hearing loss 3. Last evaluated: 2017-04-27. Review status: criteria provided, single submitter. Criteria: ICSL Variant Classification Criteria 13 December 2019. Collection method: clinical testing. Allele origin: germline.
Comment: This variant was observed as part of a predisposition screen in an ostensibly healthy population. A literature search was performed for the gene, cDNA change, and amino acid change (where applicable). Publications were found based on this search. The evidence from the literature, in combination with allele frequency data from public databases where available, was sufficient to determine this variant is unlikely to cause disease. Therefore, this variant is classified as likely benign.

Eurofins Ntd Llc (ga)
Classification: Likely benign. Last evaluated: 2016-08-25. Review status: criteria provided, single submitter. Criteria: EGL Classification Definitions 2015. Collection method: clinical testing. Allele origin: germline. Observed: 1 variant allele, 1 heterozygote.

Laboratory for Molecular Medicine, Mass General Brigham Personalized Medicine
Classification: Benign. Last evaluated: 2012-04-30. Review status: criteria provided, single submitter. Criteria: LMM Criteria. Collection method: clinical testing. Allele origin: germline. Observed: 7 variant alleles.
Comment: Gly462Asp in Exon 02 of MYO15A: This variant is not expected to have clinical si gnificance because it has been identified in 0.5% (32/6856) of European American chromosomes from a broad population by the NHLBI Exome Sequencing Project (dbSNP rs145292219).

Breakthrough Genomics
Classification: Likely benign. Review status: criteria provided, single submitter. Criteria: ACMG Guidelines, 2015. Collection method: not provided. Allele origin: germline. Inheritance: Autosomal recessive inheritance. Affected: yes.

PreventionGenetics, part of Exact Sciences
Classification: Likely benign for MYO15A-related condition. Last evaluated: 2020-10-19. Review status: no assertion criteria provided. Collection method: clinical testing. Allele origin: germline. Not counted in ClinVar's aggregate classification.
Comment: This variant is classified as likely benign based on ACMG/AMP sequence variant interpretation guidelines (Richards et al. 2015 PMID: 25741868, with internal and published modifications).

Clinical Genetics DNA and cytogenetics Diagnostics Lab, Erasmus MC, Erasmus Medical Center
Classification: Likely benign. Review status: no assertion criteria provided. Collection method: clinical testing. Allele origin: germline. Affected: yes. Study: VKGL Data-share Consensus. Not counted in ClinVar's aggregate classification.

Joint Genome Diagnostic Labs from Nijmegen and Maastricht, Radboudumc and MUMC+
Classification: Likely benign. Review status: no assertion criteria provided. Collection method: clinical testing. Allele origin: germline. Affected: yes. Study: VKGL Data-share Consensus. Not counted in ClinVar's aggregate classification.

Literature cited by the submitters: PubMed 24498627 (cited by Illumina Laboratory Services, Illumina).

NM_016239.4(MYO15A):c.1385G>A (p.Gly462Asp)

Gene: MYO15A (myosin XVA; plus strand). Cytogenetic location: 17p11.2.
Variant type: single nucleotide variant.
Coding change: c.1385G>A on transcript NM_016239.4 (MANE Select); coding-DNA position 1385, G replaced by A.
Protein change: p.Gly462Asp; replaces glycine 462 with aspartic acid.
Molecular consequence: missense variant.
Genome position (GRCh38, 1-based): chr17:18,120,185, G>A. VCF-style: chr17-18120185-G-A. GRCh37 (hg19) VCF-style: chr17-18023499-G-A.
Other names: short protein forms G462D.
Identifiers: ClinVar variation 226777 (VCV000226777.58), dbSNP rs145292219, ClinGen allele CA8423090.